The following is an entry in ClinVar:

NM_000334.4(SCN4A):c.5033A>G (p.Asp1678Gly)

Genes: GH-LCR (growth hormone locus control region; plus strand), SCN4A (sodium voltage-gated channel alpha subunit 4; minus strand). Cytogenetic location: 17q23.3.
Variant type: single nucleotide variant.
Coding change: c.5033A>G on transcript NM_000334.4 (MANE Select); coding-DNA position 5033, A replaced by G.
Protein change: p.Asp1678Gly; replaces aspartic acid 1678 with glycine.
Molecular consequence: missense variant.
Genome position (GRCh38, 1-based): chr17:63,941,249, T>C on the plus strand (A>G on the coding strand, the complement: SCN4A is on the minus strand). VCF-style: chr17-63941249-T-C. GRCh37 (hg19) VCF-style: chr17-62018609-T-C.
Other names: short protein forms D1678G.
Identifiers: ClinVar variation 569920 (VCV000569920.14), dbSNP rs1245539617, ClinGen allele CA400614297.

ClinVar aggregate classification (germline): Uncertain significance. Review status: criteria provided, multiple submitters, no conflicts (2 of 4 stars). 3 submissions from 3 submitters: Uncertain significance (3). Last evaluated 2025-08-29.

Conditions:
Hyperkalemic periodic paralysis. Also called: Familial hyperkalemic periodic paralysis; Gamstorp disease. Identifiers: Orphanet 682, MedGen C0238357, MONDO:0008224, OMIM 170500, HP:0007215.
Congenital myasthenic syndrome 16. Identifiers: Orphanet 590, MedGen C3280112, MONDO:0013620, OMIM 614198.
Paramyotonia congenita of Von Eulenburg. Also called: Myotonia congenita intermittens; Von Eulenburg paramyotonia congenita; Paramyotonia Congenita; PARALYSIS PERIODICA PARAMYOTONICA; Eulenburg disease. Identifiers: Orphanet 684, MedGen C0221055, MONDO:0008195, OMIM 168300. Disease mechanism: loss of function.
Congenital myopathy 22A, classic (CMYO22A). Identifiers: MedGen C5830453, MONDO:0957247, OMIM 620351.
Congenital myopathy 22B, severe fetal (CMYO22B). Identifiers: MedGen C5830501, MONDO:0957265, OMIM 620369.
Hypokalemic periodic paralysis, type 2 (HOKPP2). Identifiers: Orphanet 681, MedGen C2750061, MONDO:0013234, OMIM 613345.
Potassium-aggravated myotonia. Also called: Myotonia congenita, atypical, acetazolamide-responsive; MYOTONIA CONGENITA, ACETAZOLAMIDE-RESPONSIVE; MYOTONIA CONGENITA, ATYPICAL; SODIUM CHANNEL MUSCLE DISEASE. Identifiers: Orphanet 612, Orphanet 99734, Orphanet 99735, Orphanet 99736, MedGen C2931826, MONDO:0018959, OMIM 608390.

Allele frequency attached by ClinVar (database versions not stated): TOPMed below 0.00001; gnomAD 0.00001; gnomAD exomes 0.00001 and 0.00002.
gnomAD v4.1: 11 of 1,613,688 alleles (0.00068%); highest among the groups gnomAD compares: South Asian, 0.0099%; no homozygotes.

Submissions (3):

Labcorp Genetics (formerly Invitae), Labcorp
Classification: Uncertain significance for Hyperkalemic periodic paralysis. Last evaluated: 2025-08-29. Review status: criteria provided, single submitter. Criteria: Invitae Variant Classification Sherloc (09022015). Collection method: clinical testing. Allele origin: germline.
Comment: This sequence change replaces aspartic acid, which is acidic and polar, with glycine, which is neutral and non-polar, at codon 1678 of the SCN4A protein (p.Asp1678Gly). This variant is present in population databases (no rsID available, gnomAD 0.01%). This variant has not been reported in the literature in individuals affected with SCN4A-related conditions. ClinVar contains an entry for this variant (Variation ID: 569920). Invitae Evidence Modeling of protein sequence and biophysical properties (such as structural, functional, and spatial information, amino acid conservation, physicochemical variation, residue mobility, and thermodynamic stability) indicates that this missense variant is expected to disrupt SCN4A protein function with a positive predictive value of 95%. In summary, the available evidence is currently insufficient to determine the role of this variant in disease. Therefore, it has been classified as a Variant of Uncertain Significance.

GeneDx
Classification: Uncertain significance. Last evaluated: 2025-07-15. Review status: criteria provided, single submitter. Criteria: GeneDx Variant Classification Process June 2021. Collection method: clinical testing. Allele origin: germline. Affected: yes.
Comment: Not observed at significant frequency in large population cohorts (gnomAD); In silico analysis supports that this missense variant has a deleterious effect on protein structure/function; Has not been previously published as pathogenic or benign to our knowledge

Fulgent Genetics
Classification: Uncertain significance for Paramyotonia congenita of Von Eulenburg; Hyperkalemic periodic paralysis; Potassium-aggravated myotonia; Hypokalemic periodic paralysis, type 2; Congenital myasthenic syndrome 16; Congenital myopathy 22A, classic; Congenital myopathy 22B, severe fetal. Last evaluated: 2024-05-17. Review status: criteria provided, single submitter. Criteria: ACMG Guidelines, 2015. Collection method: clinical testing. Allele origin: germline.